The following is an entry in ClinVar:

NM_000312.4(PROC):c.329C>G (p.Thr110Arg)

Gene: PROC (protein C, inactivator of coagulation factors Va and VIIIa; plus strand). Cytogenetic location: 2q14.3.
Variant type: single nucleotide variant.
Coding change: c.329C>G on transcript NM_000312.4 (MANE Select); coding-DNA position 329, C replaced by G.
Protein change: p.Thr110Arg; replaces threonine 110 with arginine.
Molecular consequence: missense variant.
Genome position (GRCh38, 1-based): chr2:127,423,100, C>G. VCF-style: chr2-127423100-C-G. GRCh37 (hg19) VCF-style: chr2-128180676-C-G.
Other names: c.512C>G, p.Thr171Arg (NM_001375602.1); c.392C>G, p.Thr131Arg (NM_001375603.1, NM_001375604.1); c.329C>G, p.Thr110Arg (NM_001375605.1, NM_001375608.1, NM_001375611.1 and 1 more transcripts); c.484C>G, p.Arg162Gly (NM_001375606.1); c.413C>G, p.Thr138Arg (NM_001375607.1); c.305C>G, p.Thr102Arg (NM_001375609.1); c.323C>G, p.Thr108Arg (NM_001375610.1); short protein forms R162G, T102R, T108R, T110R, T131R, T138R, T171R.
Identifiers: ClinVar variation 1303182 (VCV001303182.3), dbSNP rs370147557, ClinGen allele CA1859316.

ClinVar aggregate classification (germline): Uncertain significance. Review status: criteria provided, multiple submitters, no conflicts (2 of 4 stars). 2 submissions from 2 submitters: Uncertain significance (2). Last evaluated 2025-04-29.

Conditions:
Thrombophilia due to protein C deficiency, autosomal dominant. Also called: PROC DEFICIENCY, AUTOSOMAL DOMINANT; PROTEIN C DEFICIENCY, AUTOSOMAL DOMINANT. Identifiers: Orphanet 745, MedGen C2674321, MONDO:0008316, OMIM 176860. Disease mechanism: loss of function.

Allele frequency attached by ClinVar (database versions not stated): ESP Exome Variant Server 0.00008.
gnomAD v4.1: 56 of 1,609,692 alleles (0.0035%); highest among the groups gnomAD compares: Non-Finnish European, 0.0046%; no homozygotes.

Submissions (2):

Labcorp Genetics (formerly Invitae), Labcorp
Classification: Uncertain significance for Thrombophilia due to protein C deficiency, autosomal dominant. Last evaluated: 2025-04-29. Review status: criteria provided, single submitter. Criteria: Invitae Variant Classification Sherloc (09022015). Collection method: clinical testing. Allele origin: germline.
Comment: This sequence change replaces threonine, which is neutral and polar, with arginine, which is basic and polar, at codon 110 of the PROC protein (p.Thr110Arg). This variant is present in population databases (rs370147557, gnomAD 0.007%). This missense change has been observed in individual(s) with clinical features of PROC-related conditions (PMID: 10669160). This variant is also known as T68R. ClinVar contains an entry for this variant (Variation ID: 1303182). Invitae Evidence Modeling of protein sequence and biophysical properties (such as structural, functional, and spatial information, amino acid conservation, physicochemical variation, residue mobility, and thermodynamic stability) indicates that this missense variant is not expected to disrupt PROC protein function with a negative predictive value of 80%. In summary, the available evidence is currently insufficient to determine the role of this variant in disease. Therefore, it has been classified as a Variant of Uncertain Significance.

GeneDx
Classification: Uncertain significance. Last evaluated: 2019-10-07. Review status: criteria provided, single submitter. Criteria: GeneDx Variant Classification Process June 2021. Collection method: clinical testing. Allele origin: germline. Affected: yes.
Comment: Not observed at a significant frequency in large population cohorts (Lek et al., 2016); In silico analysis, which includes protein predictors and evolutionary conservation, supports a deleterious effect; In silico analysis, which includes splice predictors and evolutionary conservation, suggests this variant may impact gene splicing. In the absence of RNA/functional studies, the actual effect of this sequence change is unknown.; Observed in an individual reported to have borderline protein C levels in the published literature (Alhenc-Gelas et al., 2000). Also known as T68R using alternate nomenclature.; This variant is associated with the following publications: (PMID: 10669160)

Literature cited by the submitters: PubMed 10669160 (cited by Labcorp Genetics (formerly Invitae), Labcorp).